The following is an entry in ClinVar:

NM_003924.4(PHOX2B):c.287G>C (p.Arg96Pro)

Gene: PHOX2B (paired like homeobox 2B; minus strand). Cytogenetic location: 4p13.
Variant type: single nucleotide variant.
Coding change: c.287G>C on transcript NM_003924.4 (MANE Select); coding-DNA position 287, G replaced by C.
Protein change: p.Arg96Pro; replaces arginine 96 with proline.
Molecular consequence: missense variant.
Genome position (GRCh38, 1-based): chr4:41,747,491, C>G on the plus strand (G>C on the coding strand, the complement: PHOX2B is on the minus strand). VCF-style: chr4-41747491-C-G. GRCh37 (hg19) VCF-style: chr4-41749508-C-G.
Other names: short protein forms R96P.
Identifiers: ClinVar variation 3306277 (VCV003306277.1).

ClinVar aggregate classification (germline): Uncertain significance (1 of 4 stars; one submission).

Conditions:
Hereditary cancer-predisposing syndrome. Also called: Tumor predisposition; Hereditary Cancer Syndrome; Hereditary neoplastic syndrome; Neoplastic Syndromes, Hereditary. Identifiers: Orphanet 140162, MedGen C0027672, MeSH D009386, MONDO:0015356.

Submission:

Ambry Genetics
Classification: Uncertain significance for Hereditary cancer-predisposing syndrome. Last evaluated: 2024-05-01. Review status: criteria provided, single submitter. Criteria: Ambry Variant Classification Scheme 2023. Collection method: clinical testing. Allele origin: germline.
Comment: The p.R96P variant (also known as c.287G>C), located in coding exon 2 of the PHOX2B gene, results from a G to C substitution at nucleotide position 287. The arginine at codon 96 is replaced by proline, an amino acid with dissimilar properties. This amino acid position is conserved. In addition, this alteration is predicted to be deleterious by in silico analysis. Based on the available evidence, the clinical significance of this variant remains unclear.